The following is an entry in ClinVar:

NM_001385012.1(NBEA):c.5214C>A (p.Thr1738=)

Gene: NBEA (neurobeachin; plus strand). Cytogenetic location: 13q13.3.
Variant type: single nucleotide variant.
Coding change: c.5214C>A on transcript NM_001385012.1 (MANE Select); coding-DNA position 5214, C replaced by A.
Protein change: p.Thr1738=; no amino-acid change (threonine 1738 retained).
Molecular consequence: synonymous variant.
Genome position (GRCh38, 1-based): chr13:35,196,150, C>A. VCF-style: chr13-35196150-C-A. GRCh37 (hg19) VCF-style: chr13-35770287-C-A.
Other names: c.5205C>A, p.Thr1735= (NM_001379245.1); c.5214C>A, p.Thr1738= (NM_015678.5).
Identifiers: ClinVar variation 3058148 (VCV003058148.2), dbSNP rs2504151190, ClinGen allele CA483233013.

ClinVar aggregate classification (germline): Likely benign (0 of 4 stars; one submission).

Conditions:
NBEA-related disorder. Also called: NBEA-related condition.

Submission:

PreventionGenetics, part of Exact Sciences
Classification: Likely benign for NBEA-related condition. Last evaluated: 2019-03-25. Review status: no assertion criteria provided. Collection method: clinical testing. Allele origin: germline.
Comment: This variant is classified as likely benign based on ACMG/AMP sequence variant interpretation guidelines (Richards et al. 2015 PMID: 25741868, with internal and published modifications).